The following is an entry in ClinVar:

ClinVar aggregate classification (germline): Likely pathogenic (1 of 4 stars; one submission).

Conditions:
Hematuria, benign familial, 1 (BFH1). Also called: THIN MEMBRANE NEPHROPATHY. Identifiers: MedGen CN376803, MONDO:0007709, OMIM 141200.

Submission:

Diagnostics Services (NGS), CSIR - Centre For Cellular And Molecular Biology
Classification: Likely pathogenic for Hematuria, benign familial, 1. Last evaluated: 2025-06-20. Review status: criteria provided, single submitter. Criteria: ACMG Guidelines, 2015. Collection method: clinical testing. Allele origin: unknown. Observed: 1 variant allele, 1 heterozygote.
Comment: The c.2231del variant is not present in publicly available population databases like 1000 Genomes, EVS, gnomAD, Indian Exome Database or our internal database. This variant has neither been published in the literature for COL4A4-related conditions not reported to clinical databases like Human Genome Mutation database (HGMD), OMIM, or ClinVar in any affected individuals. In-silico pathogenicity prediction programs like MutationTaster2021, CADD, Franklin, Varsome etc predicted this variant to be likely deleterious. This variant causes frameshift at the 744th amino acid position of the wild-type transcript which creates a premature translational stop signal at the altered transcript that may either result in translation of a truncated protein or cause nonsense mediated decay of the mRNA.

NM_000092.5(COL4A4):c.2231del (p.Pro744fs)

Gene: COL4A4 (collagen type IV alpha 4 chain; minus strand). Cytogenetic location: 2q36.3.
Variant type: Deletion.
Coding change: c.2231del on transcript NM_000092.5 (MANE Select); coding-DNA position 2231, one base deleted (C; older notation c.2231delC).
Protein change: p.Pro744fs; shifts the reading frame from proline 744.
Molecular consequence: frameshift variant.
Genome position (GRCh38, 1-based): chr2:227,059,557, G deleted on the plus strand (C on the coding strand, the reverse complement: COL4A4 is on the minus strand); the first of 5 consecutive G bases (chr2:227,059,557-227,059,561); deleting any one gives the same sequence. VCF-style (leftmost placement, unchanged base first): chr2-227059556-TG-T. GRCh37 (hg19) VCF-style: chr2-227924272-TG-T.
Other names: short protein forms P744fs.
Identifiers: ClinVar variation 4057290 (VCV004057290.1).